The following is an entry in ClinVar:

ClinVar aggregate classification (germline): Likely pathogenic (1 of 4 stars; one submission).

Conditions:
Multiple congenital anomalies-hypotonia-seizures syndrome 1 (MCAHS1). Also called: GLYCOSYLPHOSPHATIDYLINOSITOL BIOSYNTHESIS DEFECT 3; PIGN-CDG; Congenital disorder of glycosylation due to PIGN deficiency. Identifiers: Orphanet 280633, MedGen C3279775, MONDO:0013563, OMIM 614080.

Submission:

Labcorp Genetics (formerly Invitae), Labcorp
Classification: Likely pathogenic for Multiple congenital anomalies-hypotonia-seizures syndrome 1. Last evaluated: 2023-11-28. Review status: criteria provided, single submitter. Criteria: Invitae Variant Classification Sherloc (09022015). Collection method: clinical testing. Allele origin: unknown.
Comment: This variant results in a copy number gain of the genomic region encompassing exon(s) 23-25 of the PIGN gene. While the exact position of this variant cannot be determined from the data, sub-genic copy number gains are generally in tandem (PMID: 25640679). This variant is predicted to be out-of-frame, and may result in an absent or disrupted protein product. Loss-of-function variants in PIGN are known to be pathogenic (PMID: 24253414, 27038415). This variant has not been reported in the literature in individuals affected with PIGN-related conditions. In summary, the currently available evidence indicates that the variant is pathogenic, but additional data are needed to prove that conclusively. Therefore, this variant has been classified as Likely Pathogenic.

Literature cited by the submitters: PubMed 25640679; PubMed 24253414; PubMed 27038415.

NC_000018.9:g.(?_59755969)_(59763203_?)dup

Gene: PIGN (phosphatidylinositol glycan anchor biosynthesis class N; minus strand). Cytogenetic location: 18q21.33.
Variant type: Duplication.
Identifiers: ClinVar variation 3242780 (VCV003242780.1).